The following is an entry in ClinVar:

NM_001330.5(CTF1):c.592G>A (p.Gly198Arg)

Genes: CTF1 (cardiotrophin 1; plus strand), LOC130058878 (ATAC-STARR-seq lymphoblastoid silent region 7400; plus strand). Cytogenetic location: 16p11.2.
Variant type: single nucleotide variant.
Coding change: c.592G>A on transcript NM_001330.5 (MANE Select); coding-DNA position 592, G replaced by A.
Protein change: p.Gly198Arg; replaces glycine 198 with arginine.
Molecular consequence: missense variant. On other transcripts: non-coding transcript variant (1).
Genome position (GRCh38, 1-based): chr16:30,902,525, G>A. VCF-style: chr16-30902525-G-A. GRCh37 (hg19) VCF-style: chr16-30913846-G-A.
Other names: c.589G>A, p.Gly197Arg (NM_001142544.3); short protein forms G198R, G197R.
Identifiers: ClinVar variation 565610 (VCV000565610.11), dbSNP rs1356326953, ClinGen allele CA395619863.

ClinVar aggregate classification (germline): Uncertain significance (1 of 4 stars; one submission).

Allele frequency attached by ClinVar (database versions not stated): gnomAD 0.00001; TOPMed 0.00001.
gnomAD v4.1: 8 of 1,492,438 alleles (0.00054%); highest among the groups gnomAD compares: Non-Finnish European, 0.00071%; no homozygotes.

Submission:

Labcorp Genetics (formerly Invitae), Labcorp
Classification: Uncertain significance. Last evaluated: 2025-06-06. Review status: criteria provided, single submitter. Criteria: Invitae Variant Classification Sherloc (09022015). Collection method: clinical testing. Allele origin: germline.
Comment: This sequence change replaces glycine, which is neutral and non-polar, with arginine, which is basic and polar, at codon 198 of the CTF1 protein (p.Gly198Arg). This variant is not present in population databases (gnomAD no frequency). This variant has not been reported in the literature in individuals affected with CTF1-related conditions. ClinVar contains an entry for this variant (Variation ID: 565610). An algorithm developed to predict the effect of missense changes on protein structure and function (PolyPhen-2) suggests that this variant is likely to be disruptive. In summary, the available evidence is currently insufficient to determine the role of this variant in disease. Therefore, it has been classified as a Variant of Uncertain Significance.